The following is an entry in ClinVar:

NM_133372.3(FNIP1):c.3242G>T (p.Ser1081Ile)

Gene: FNIP1 (folliculin interacting protein 1; minus strand). Cytogenetic location: 5q31.1.
Variant type: single nucleotide variant.
Coding change: c.3242G>T on transcript NM_133372.3 (MANE Select); coding-DNA position 3242, G replaced by T.
Protein change: p.Ser1081Ile; replaces serine 1081 with isoleucine.
Molecular consequence: missense variant.
Genome position (GRCh38, 1-based): chr5:131,651,866, C>A on the plus strand (G>T on the coding strand, the complement: FNIP1 is on the minus strand). VCF-style: chr5-131651866-C-A. GRCh37 (hg19) VCF-style: chr5-130987559-C-A.
Other names: c.3158G>T, p.Ser1053Ile (NM_001008738.3); c.3107G>T, p.Ser1036Ile (NM_001346114.2); c.3242G>T (NM_133372.2); short protein forms S1053I, S1036I, S1081I.
Identifiers: ClinVar variation 1983061 (VCV001983061.5), dbSNP rs914744335, ClinGen allele CA127110444.

ClinVar aggregate classification (germline): Uncertain significance. Review status: criteria provided, multiple submitters, no conflicts (2 of 4 stars). 2 submissions from 2 submitters: Uncertain significance (2). Last evaluated 2026-01-26.

Conditions:
Inborn genetic diseases. Identifiers: MedGen C0950123, MeSH D030342.

Allele frequency attached by ClinVar (database versions not stated): TOPMed 0.00002.
gnomAD v4.1: 1 of 1,614,144 alleles (0.000062%); highest among the groups gnomAD compares: Admixed American, 0.0017%; no homozygotes.

Submissions (2):

Labcorp Genetics (formerly Invitae), Labcorp
Classification: Uncertain significance. Last evaluated: 2026-01-26. Review status: criteria provided, single submitter. Criteria: Invitae Variant Classification Sherloc (09022015). Collection method: clinical testing. Allele origin: germline.
Comment: This sequence change replaces serine, which is neutral and polar, with isoleucine, which is neutral and non-polar, at codon 1081 of the FNIP1 protein (p.Ser1081Ile). This variant is present in population databases (no rsID available, gnomAD 0.003%). This variant has not been reported in the literature in individuals affected with FNIP1-related conditions. ClinVar contains an entry for this variant (Variation ID: 1983061). An algorithm developed to predict the effect of missense changes on protein structure and function (PolyPhen-2) suggests that this variant is likely to be disruptive. In summary, the available evidence is currently insufficient to determine the role of this variant in disease. Therefore, it has been classified as a Variant of Uncertain Significance.

Ambry Genetics
Classification: Uncertain significance for Inborn genetic diseases. Last evaluated: 2025-06-16. Review status: criteria provided, single submitter. Criteria: Ambry Variant Classification Scheme 2023. Collection method: clinical testing. Allele origin: germline.